The following is an entry in ClinVar:

ClinVar aggregate classification (germline): Uncertain significance (1 of 4 stars; one submission).

Conditions:
Rhabdoid tumor predisposition syndrome 2 (RTPS2). Identifiers: Orphanet 231108, Orphanet 69077, MedGen C2750074, MONDO:0013224, OMIM 613325.

Submission:

Labcorp Genetics (formerly Invitae), Labcorp
Classification: Uncertain significance for Rhabdoid tumor predisposition syndrome 2. Last evaluated: 2023-08-16. Review status: criteria provided, single submitter. Criteria: Invitae Variant Classification Sherloc (09022015). Collection method: clinical testing. Allele origin: germline.
Comment: This sequence change replaces glycine, which is neutral and non-polar, with cysteine, which is neutral and slightly polar, at codon 1613 of the SMARCA4 protein (p.Gly1613Cys). This variant is not present in population databases (gnomAD no frequency). This variant has not been reported in the literature in individuals affected with SMARCA4-related conditions. ClinVar contains an entry for this variant (Variation ID: 656640). Advanced modeling of protein sequence and biophysical properties (such as structural, functional, and spatial information, amino acid conservation, physicochemical variation, residue mobility, and thermodynamic stability) performed at Invitae indicates that this missense variant is not expected to disrupt SMARCA4 protein function. In summary, the available evidence is currently insufficient to determine the role of this variant in disease. Therefore, it has been classified as a Variant of Uncertain Significance.

NM_003072.5(SMARCA4):c.4741G>T (p.Gly1581Cys)

Gene: SMARCA4 (SWI/SNF related BAF chromatin remodeling complex subunit ATPase 4; plus strand). Cytogenetic location: 19p13.2.
Variant type: single nucleotide variant.
Coding change: c.4741G>T on transcript NM_003072.5 (MANE Select); coding-DNA position 4741, G replaced by T.
Protein change: p.Gly1581Cys; replaces glycine 1581 with cysteine.
Molecular consequence: missense variant. On other transcripts: non-coding transcript variant (1).
Genome position (GRCh38, 1-based): chr19:11,059,858, G>T. VCF-style: chr19-11059858-G-T. GRCh37 (hg19) VCF-style: chr19-11170534-G-T.
Other names: c.4741G>T, p.Gly1581Cys (NM_001128844.3); c.4651G>T, p.Gly1551Cys (NM_001128845.2); c.4648G>T, p.Gly1550Cys (NM_001128846.2); c.4642G>T, p.Gly1548Cys (NM_001128847.4, NM_001374457.1); c.4639G>T, p.Gly1547Cys (NM_001128848.2); c.4837G>T, p.Gly1613Cys (NM_001128849.3, NM_001387283.1); short protein forms G1547C, G1548C, G1550C, G1551C, G1581C, G1613C.
Identifiers: ClinVar variation 656640 (VCV000656640.8), dbSNP rs1600644688, ClinGen allele CA404079710.